The following is an entry in ClinVar:

NM_000065.5(C6):c.1817G>A (p.Arg606Gln)

Gene: C6 (complement C6; minus strand). Cytogenetic location: 5p13.1.
Variant type: single nucleotide variant.
Coding change: c.1817G>A on transcript NM_000065.5 (MANE Select); coding-DNA position 1817, G replaced by A.
Protein change: p.Arg606Gln; replaces arginine 606 with glutamine.
Molecular consequence: missense variant.
Genome position (GRCh38, 1-based): chr5:41,159,121, C>T on the plus strand (G>A on the coding strand, the complement: C6 is on the minus strand). VCF-style: chr5-41159121-C-T. GRCh37 (hg19) VCF-style: chr5-41159223-C-T.
Other names: c.1817G>A, p.Arg606Gln (NM_001115131.4); short protein forms R606Q.
Identifiers: ClinVar variation 3612414 (VCV003612414.2).

ClinVar aggregate classification (germline): Uncertain significance (1 of 4 stars; one submission).

gnomAD v4.1: 17 of 1,613,586 alleles (0.0011%); highest among the groups gnomAD compares: African/African-American, 0.004%; no homozygotes.

Submission:

Labcorp Genetics (formerly Invitae), Labcorp
Classification: Uncertain significance. Last evaluated: 2024-11-13. Review status: criteria provided, single submitter. Criteria: Invitae Variant Classification Sherloc (09022015). Collection method: clinical testing. Allele origin: germline.
Comment: This sequence change replaces arginine, which is basic and polar, with glutamine, which is neutral and polar, at codon 606 of the C6 protein (p.Arg606Gln). This variant is present in population databases (rs760471024, gnomAD 0.01%). This variant has not been reported in the literature in individuals affected with C6-related conditions. An algorithm developed to predict the effect of missense changes on protein structure and function outputs the following: PolyPhen-2: "Benign". The glutamine amino acid residue is found in multiple mammalian species, which suggests that this missense change does not adversely affect protein function. In summary, the available evidence is currently insufficient to determine the role of this variant in disease. Therefore, it has been classified as a Variant of Uncertain Significance.